The following is an entry in ClinVar:

NM_021098.3(CACNA1H):c.6528G>T (p.Glu2176Asp)

Gene: CACNA1H (calcium voltage-gated channel subunit alpha1 H; plus strand). Cytogenetic location: 16p13.3.
Variant type: single nucleotide variant.
Coding change: c.6528G>T on transcript NM_021098.3 (MANE Select); coding-DNA position 6528, G replaced by T.
Protein change: p.Glu2176Asp; replaces glutamic acid 2176 with aspartic acid.
Molecular consequence: missense variant.
Genome position (GRCh38, 1-based): chr16:1,220,460, G>T. VCF-style: chr16-1220460-G-T. GRCh37 (hg19) VCF-style: chr16-1270460-G-T.
Other names: c.6510G>T, p.Glu2170Asp (NM_001005407.2); short protein forms E2170D, E2176D.
Identifiers: ClinVar variation 2502515 (VCV002502515.1), dbSNP rs1445649934, ClinGen allele CA394149905.
Genomic context (GRCh38, chr16:1,220,460, plus strand): 5'-CTCGGCGGAGCTGGGCAGCGGGGAGCCTGGGGAGGCGAAGGCCTGGGGCCCTGAGGCCGA[G>T]CCCGCTCTGGGTGCGCGCAGAAAGAAGAAGATGAGCCCCCCCTGCATCTCGGTGGAACCC-3'
Protein context (NP_066921.2, residues 2166-2186): GEAKAWGPEA[Glu2176Asp]PALGARRKKK

ClinVar aggregate classification (germline): Uncertain significance (1 of 4 stars; one submission).

Submission:

GeneDx
Classification: Uncertain significance. Last evaluated: 2022-11-16. Review status: criteria provided, single submitter. Criteria: GeneDx Variant Classification Process June 2021. Collection method: clinical testing. Allele origin: germline. Affected: yes.
Comment: Not observed at significant frequency in large population cohorts (gnomAD); In silico analysis supports that this missense variant does not alter protein structure/function; Has not been previously published as pathogenic or benign to our knowledge